The following is an entry in ClinVar:

ClinVar aggregate classification (germline): Uncertain significance (1 of 4 stars; one submission).

gnomAD v4.1: 2 of 1,611,260 alleles (0.00012%); highest among the groups gnomAD compares: East Asian, 0.0045%; no homozygotes.

Submission:

Ambry Genetics
Classification: Uncertain significance. Last evaluated: 2024-01-21. Review status: criteria provided, single submitter. Criteria: Ambry Variant Classification Scheme 2023. Collection method: clinical testing. Allele origin: germline.
Comment: The p.M2525L variant (also known as c.7573A>T), located in coding exon 29 of the POLQ gene, results from an A to T substitution at nucleotide position 7573. The methionine at codon 2525 is replaced by leucine, an amino acid with highly similar properties. This amino acid position is conserved. In addition, this alteration is predicted to be tolerated by in silico analysis. Based on the available evidence, the clinical significance of this alteration remains unclear.

NM_199420.4(POLQ):c.7573A>T (p.Met2525Leu)

Gene: POLQ (DNA polymerase theta; minus strand). Cytogenetic location: 3q13.33.
Variant type: single nucleotide variant.
Coding change: c.7573A>T on transcript NM_199420.4 (MANE Select); coding-DNA position 7573, A replaced by T.
Protein change: p.Met2525Leu; replaces methionine 2525 with leucine.
Molecular consequence: missense variant.
Genome position (GRCh38, 1-based): chr3:121,433,004, T>A on the plus strand (A>T on the coding strand, the complement: POLQ is on the minus strand). VCF-style: chr3-121433004-T-A. GRCh37 (hg19) VCF-style: chr3-121151851-T-A.
Other names: short protein forms M2525L.
Identifiers: ClinVar variation 3230163 (VCV003230163.1), dbSNP rs755724546, ClinGen allele CA354093933.